The following is an entry in ClinVar:

NM_001267550.2(TTN):c.6899A>G (p.Tyr2300Cys)

Genes: TTN (titin; minus strand), LOC126806433 (BRD4-independent group 4 enhancer GRCh37_chr2:179638309-179639508; plus strand). Cytogenetic location: 2q31.2.
Variant type: single nucleotide variant.
Coding change: c.6899A>G on transcript NM_001267550.2 (MANE Select); coding-DNA position 6899, A replaced by G.
Protein change: p.Tyr2300Cys; replaces tyrosine 2300 with cysteine.
Molecular consequence: missense variant.
Genome position (GRCh38, 1-based): chr2:178,774,365, T>C on the plus strand (A>G on the coding strand, the complement: TTN is on the minus strand). VCF-style: chr2-178774365-T-C. GRCh37 (hg19) VCF-style: chr2-179639092-T-C.
Other names: p.Y2300C:TAT>TGT; c.6761A>G, p.Tyr2254Cys (NM_003319.4, NM_133432.3, NM_133437.4); c.6899A>G, p.Tyr2300Cys (NM_133379.5, NM_001256850.1, NM_133378.4); c.6899A>G (NM_001267550.1); short protein forms Y2300C, Y2254C.
Identifiers: ClinVar variation 203150 (VCV000203150.9), dbSNP rs772093035, ClinGen allele CA311454.

ClinVar aggregate classification (germline): Uncertain significance. Review status: criteria provided, multiple submitters, no conflicts (2 of 4 stars). 7 submissions from 3 submitters: Uncertain significance (7). Last evaluated 2026-08-27.

Conditions:
Dilated cardiomyopathy 1G (CMD1G). Identifiers: Orphanet 154, MedGen C1858763, MONDO:0011400, OMIM 604145.
Autosomal recessive limb-girdle muscular dystrophy type 2J (LGMDR10). Also called: MUSCULAR DYSTROPHY, LIMB-GIRDLE, AUTOSOMAL RECESSIVE 10; Limb-girdle muscular dystrophy, type 2J. Identifiers: Orphanet 140922, MedGen C1837342, MONDO:0012127, OMIM 608807.
Tibial muscular dystrophy (TMD). Also called: Udd Distal Myopathy – Tibial Muscular Dystrophy; UDD MYOPATHY; Tibial muscular dystrophy, tardive. Identifiers: Orphanet 609, MedGen C1838244, MONDO:0010870, OMIM 600334.
Myopathy, myofibrillar, 9, with early respiratory failure (MFM9). Also called: Myopathy, distal, with early respiratory failure, autosomal dominant; Hereditary myopathy with early respiratory failure; EDSTROM MYOPATHY; MYOPATHY, PROXIMAL, WITH EARLY RESPIRATORY MUSCLE INVOLVEMENT. Identifiers: Orphanet 178464, Orphanet 34521, MedGen C1863599, MONDO:0011362, OMIM 603689.
Early-onset myopathy with fatal cardiomyopathy (CMYO5). Also called: Salih Myopathy; CONGENITAL MYOPATHY 5 WITH CARDIOMYOPATHY. Identifiers: Orphanet 289377, MedGen C2673677, MONDO:0012714, OMIM 611705. Disease mechanism: loss of function.

Allele frequency attached by ClinVar (database versions not stated): gnomAD 0.00003 and 0.00013; TOPMed 0.00014.
gnomAD v4.1: 76 of 1,614,042 alleles (0.0047%); highest among the groups gnomAD compares: Non-Finnish European, 0.0049%; no homozygotes.

Submissions (7):

GeneDx
Classification: Uncertain significance. Last evaluated: 2026-08-27. Review status: criteria provided, single submitter. Criteria: GeneDx Variant Classification Process June 2021. Collection method: clinical testing. Allele origin: germline.
Comment: Not observed at significant frequency in large population cohorts (gnomAD); Missense variant in a gene in which most reported pathogenic variants are truncating/loss of function; Has not been previously published as pathogenic or benign to our knowledge

Illumina Laboratory Services, Illumina
Classification: Uncertain significance for Early-onset myopathy with fatal cardiomyopathy. Last evaluated: 2018-01-12. Review status: criteria provided, single submitter. Criteria: ICSL Variant Classification Criteria 13 December 2019. Collection method: clinical testing. Allele origin: germline.

Illumina Laboratory Services, Illumina
Classification: Uncertain significance for Dilated cardiomyopathy 1G. Last evaluated: 2018-01-12. Review status: criteria provided, single submitter. Criteria: ICSL Variant Classification Criteria 13 December 2019. Collection method: clinical testing. Allele origin: germline.

Illumina Laboratory Services, Illumina
Classification: Uncertain significance for Myopathy, myofibrillar, 9, with early respiratory failure. Last evaluated: 2018-01-12. Review status: criteria provided, single submitter. Criteria: ICSL Variant Classification Criteria 13 December 2019. Collection method: clinical testing. Allele origin: germline.

Illumina Laboratory Services, Illumina
Classification: Uncertain significance for Autosomal recessive limb-girdle muscular dystrophy type 2J. Last evaluated: 2018-01-12. Review status: criteria provided, single submitter. Criteria: ICSL Variant Classification Criteria 13 December 2019. Collection method: clinical testing. Allele origin: germline.

Illumina Laboratory Services, Illumina
Classification: Uncertain significance for Tibial muscular dystrophy. Last evaluated: 2018-01-12. Review status: criteria provided, single submitter. Criteria: ICSL Variant Classification Criteria 13 December 2019. Collection method: clinical testing. Allele origin: germline.

Labcorp Genetics (formerly Invitae), Labcorp
Classification: Uncertain significance for Dilated cardiomyopathy 1G; Autosomal recessive limb-girdle muscular dystrophy type 2J. Last evaluated: 2017-11-06. Review status: criteria provided, single submitter. Criteria: Invitae Variant Classification Sherloc (09022015). Collection method: clinical testing. Allele origin: germline.